The following is an entry in ClinVar:

NM_173602.3(DIP2B):c.3047C>A (p.Thr1016Asn)

Gene: DIP2B (disco interacting protein 2 homolog B; plus strand). Cytogenetic location: 12q13.12.
Variant type: single nucleotide variant.
Coding change: c.3047C>A on transcript NM_173602.3 (MANE Select); coding-DNA position 3047, C replaced by A.
Protein change: p.Thr1016Asn; replaces threonine 1016 with asparagine.
Molecular consequence: missense variant.
Genome position (GRCh38, 1-based): chr12:50,721,277, C>A. VCF-style: chr12-50721277-C-A. GRCh37 (hg19) VCF-style: chr12-51115060-C-A.
Other names: short protein forms T1016N.
Identifiers: ClinVar variation 2635049 (VCV002635049.1), dbSNP rs1216724467, ClinGen allele CA384826503.
Genomic context (GRCh38, chr12:50,721,277, plus strand): 5'-TTACTGTTTATTTCCTTTCTGAGCTTTGACCCGCTTATCCTTTCTGTTGTTTAAAGGGAA[C>A]CACTGTATGCACAGCCAGCTGCCTTCAGCTTCATAAGCGAGCAGAGAGGATTGCATCTGT-3'
Protein context (NP_775873.2, residues 1006-1026): VLFMLLNAKG[Thr1016Asn]TVCTASCLQL

ClinVar aggregate classification (germline): Uncertain significance (1 of 4 stars; one submission).

Conditions:
DIP2B-related disorder. Also called: DIP2B-related condition.

Allele frequency attached by ClinVar (database versions not stated): gnomAD 0.00003; TOPMed 0.00003.
gnomAD v4.1: 29 of 1,613,694 alleles (0.0018%); highest among the groups gnomAD compares: Non-Finnish European, 0.0025%; no homozygotes.

Submission:

PreventionGenetics, part of Exact Sciences
Classification: Uncertain significance for DIP2B-related condition. Last evaluated: 2022-12-01. Review status: criteria provided, single submitter. Criteria: ACMG Guidelines, 2015. Collection method: clinical testing. Allele origin: germline.
Comment: The DIP2B c.3047C>A variant is predicted to result in the amino acid substitution p.Thr1016Asn. To our knowledge, this variant has not been reported in the literature. This variant is reported in 0.00088% of alleles in individuals of European (Non-Finnish) descent in gnomAD. At this time, the clinical significance of this variant is uncertain due to the absence of conclusive functional and genetic evidence.